The following is an entry in ClinVar:

NM_006612.6(KIF1C):c.720+17_720+19delinsG

Gene: KIF1C (kinesin family member 1C; plus strand). Cytogenetic location: 17p13.2.
Variant type: Indel.
Coding change: c.720+17_720+19delinsG on transcript NM_006612.6 (MANE Select); bases 17 to 19 of the intron after coding-DNA position 720, CCC replaced by G.
Molecular consequence: intron variant.
Genome position (GRCh38, 1-based): chr17:5,002,859-5,002,861, CCC replaced by G. VCF-style: chr17-5002859-CCC-G. GRCh37 (hg19) VCF-style: chr17-4906154-CCC-G.
Identifiers: ClinVar variation 420600 (VCV000420600.1), dbSNP rs1064794578, ClinGen allele CA16620468.
Genomic context (GRCh38, chr17:5,002,859, plus strand): 5'-CACAGCGCTGCCATGACCAGCTCACGGGGCTGGACTCGGAGAAGGTGGGATCGCCCCCCC[CCC>G]CACTCCCCCACCGGATGCAACCTCCCCTGGCAACAGGGACAGTGACATGGTAGAAGGGTC-3'

ClinVar aggregate classification (germline): Likely benign (1 of 4 stars; one submission).

Submission:

GeneDx
Classification: Likely benign. Last evaluated: 2016-02-24. Review status: criteria provided, single submitter. Criteria: GeneDx Variant Classification (06012015). Collection method: clinical testing. Allele origin: germline. Affected: yes.
Comment: This variant is considered likely benign or benign based on one or more of the following criteria: it is a conservative change, it occurs at a poorly conserved position in the protein, it is predicted to be benign by multiple in silico algorithms, and/or has population frequency not consistent with disease.